The following is an entry in ClinVar:

NM_152564.5(VPS13B):c.2893A>C (p.Ile965Leu)

Gene: VPS13B (vacuolar protein sorting 13 homolog B; plus strand). Cytogenetic location: 8q22.2.
Variant type: single nucleotide variant.
Coding change: c.2893A>C on transcript NM_152564.5 (MANE Select); coding-DNA position 2893, A replaced by C.
Protein change: p.Ile965Leu; replaces isoleucine 965 with leucine.
Molecular consequence: missense variant.
Genome position (GRCh38, 1-based): chr8:99,384,276, A>C. VCF-style: chr8-99384276-A-C. GRCh37 (hg19) VCF-style: chr8-100396504-A-C.
Other names: c.2893A>C, p.Ile965Leu (NM_017890.5); short protein forms I965L.
Identifiers: ClinVar variation 4995289 (VCV004995289.1).

ClinVar aggregate classification (germline): Uncertain significance (1 of 4 stars; one submission).

Conditions:
VPS13B-related disorder. Also called: VPS13B-related condition.

Submission:

PreventionGenetics, part of Exact Sciences
Classification: Uncertain significance for VPS13B-related condition. Last evaluated: 2026-04-30. Review status: criteria provided, single submitter. Criteria: ACMG Guidelines, 2015. Collection method: clinical testing. Allele origin: germline.
Comment: The VPS13B c.2893A>C variant is predicted to result in the amino acid substitution p.Ile965Leu. To our knowledge, this variant has not been reported in the literature or in a large population database (gnomAD), indicating this variant is rare. At this time, the clinical significance of this variant is uncertain due to the absence of conclusive functional and genetic evidence.